The following is an entry in ClinVar:

ClinVar aggregate classification (germline): Likely benign (0 of 4 stars; one submission).

Conditions:
LRP5-related disorder. Also called: LRP5-related condition.

Allele frequency attached by ClinVar (database versions not stated): gnomAD exomes below 0.00001.
gnomAD v4.1: 2 of 1,612,952 alleles (0.00012%); highest among the groups gnomAD compares: Non-Finnish European, 0.00017%; no homozygotes.

Submission:

PreventionGenetics, part of Exact Sciences
Classification: Likely benign for LRP5-related condition. Last evaluated: 2020-12-30. Review status: no assertion criteria provided. Collection method: clinical testing. Allele origin: germline.
Comment: This variant is classified as likely benign based on ACMG/AMP sequence variant interpretation guidelines (Richards et al. 2015 PMID: 25741868, with internal and published modifications).

NM_002335.4(LRP5):c.92-10T>G

Gene: LRP5 (LDL receptor related protein 5; plus strand). Cytogenetic location: 11q13.2.
Variant type: single nucleotide variant.
Coding change: c.92-10T>G on transcript NM_002335.4 (MANE Select); 10 bases into the intron before coding-DNA position 92, T replaced by G.
Molecular consequence: intron variant.
Genome position (GRCh38, 1-based): chr11:68,347,837, T>G. VCF-style: chr11-68347837-T-G. GRCh37 (hg19) VCF-style: chr11-68115305-T-G.
Other names: c.-1674-10T>G (NM_001291902.2).
Identifiers: ClinVar variation 3031230 (VCV003031230.2), dbSNP rs1591204096, ClinGen allele CA1980629415.